The following is an entry in ClinVar:

NM_003560.4(PLA2G6):c.1157C>G (p.Pro386Arg)

Gene: PLA2G6 (phospholipase A2 group VI; minus strand). Cytogenetic location: 22q13.1.
Variant type: single nucleotide variant.
Coding change: c.1157C>G on transcript NM_003560.4 (MANE Select); coding-DNA position 1157, C replaced by G.
Protein change: p.Pro386Arg; replaces proline 386 with arginine.
Molecular consequence: missense variant.
Genome position (GRCh38, 1-based): chr22:38,129,483, G>C on the plus strand (C>G on the coding strand, the complement: PLA2G6 is on the minus strand). VCF-style: chr22-38129483-G-C. GRCh37 (hg19) VCF-style: chr22-38525490-G-C.
Other names: c.1157C>G, p.Pro386Arg (NM_001004426.3, NM_001199562.3, NM_001349864.2 and 2 more transcripts); c.623C>G, p.Pro208Arg (NM_001349867.2, NM_001349869.2); c.479C>G, p.Pro160Arg (NM_001349868.2); short protein forms P160R, P208R, P386R.
Identifiers: ClinVar variation 1339156 (VCV001339156.2), dbSNP rs2145753418, ClinGen allele CA411530418.

ClinVar aggregate classification (germline): Uncertain significance (1 of 4 stars; one submission).

Conditions:
Infantile neuroaxonal dystrophy (NBIA2A). Also called: NEURODEGENERATION WITH BRAIN IRON ACCUMULATION 2A; SEITELBERGER DISEASE; Infantile neuroaxonal dystrophy 1. Identifiers: Orphanet 35069, MedGen C0270724, MONDO:0024457, OMIM 256600.

Submission:

Neuberg Centre For Genomic Medicine, NCGM
Classification: Uncertain significance for Infantile neuroaxonal dystrophy. Review status: criteria provided, single submitter. Criteria: ACMG Guidelines, 2015. Collection method: clinical testing. Allele origin: germline. Affected: yes.
Comment: The missense variant p.P386R in PLA2G6 (NM_003560.4) has not been reported previously as a pathogenic variant nor as a benign variant, to our knowledge. The p.P386R variant is novel (not in any individuals) in gnomAD Exomes and is novel (not in any individuals) in 1000 Genomes. The p.P386R missense variant is predicted to be damaging by both SIFT and PolyPhen2. The nucleotide c.1157 in PLA2G6 is predicted conserved by GERP++ and PhyloP across 100 vertebrates. For these reasons, this variant has been classified as Uncertain Significance